The following is an entry in ClinVar:

ClinVar aggregate classification (germline): Uncertain significance. Review status: criteria provided, single submitter (1 of 4 stars). 2 submissions from 2 submitters: Uncertain significance (1). 1 of the submissions does not count toward it. Last evaluated 2022-05-04.

Conditions:
Neuronal ceroid lipofuscinosis 8 (CLN8). Also called: CLN8-Related Neuronal Ceroid-Lipofuscinosis. Identifiers: Orphanet 168491, Orphanet 228354, Orphanet 79264, MedGen C1838570, MONDO:0010830, OMIM 600143.

Allele frequency attached by ClinVar (database versions not stated): gnomAD exomes below 0.00001; TOPMed below 0.00001; gnomAD 0.00001.
gnomAD v4.1: 2 of 1,614,002 alleles (0.00012%); highest among the groups gnomAD compares: South Asian, 0.0011%; no homozygotes.

Submissions (2):

Broad Center for Mendelian Genomics, Broad Institute of MIT and Harvard
Classification: Uncertain significance for Neuronal ceroid lipofuscinosis 8. Last evaluated: 2022-05-04. Review status: criteria provided, single submitter. Criteria: ACMG Guidelines, 2015. Collection method: curation. Allele origin: germline. Inheritance: Autosomal recessive inheritance.
Comment: The variant has not been previously reported in individuals with neuronal ceroid lipofuscinosis 8 and was absent from large population studies. Computational prediction tools and conservation analyses suggest that this variant may impact the protein, though this information is not predictive enough to determine pathogenicity. In summary, while there is some suspicion for a pathogenic role, the clinical significance of this variant is uncertain. ACMG/AMP Criteria applied: PM2, PM3_supporting, PP3 (Richards 2015).

Natera, Inc.
Classification: Uncertain significance for Neuronal ceroid lipofuscinosis 8. Last evaluated: 2025-04-03. Review status: no assertion criteria provided. Collection method: clinical testing. Allele origin: germline. Not counted in ClinVar's aggregate classification.

NM_018941.4(CLN8):c.416A>G (p.His139Arg)

Gene: CLN8 (CLN8 transmembrane ER and ERGIC protein; plus strand). Cytogenetic location: 8p23.3.
Variant type: single nucleotide variant.
Coding change: c.416A>G on transcript NM_018941.4 (MANE Select); coding-DNA position 416, A replaced by G.
Protein change: p.His139Arg; replaces histidine 139 with arginine.
Molecular consequence: missense variant.
Genome position (GRCh38, 1-based): chr8:1,771,470, A>G. VCF-style: chr8-1771470-A-G. GRCh37 (hg19) VCF-style: chr8-1719636-A-G.
Other names: NM_018941.4:c.416A>G; c.416A>G (NM_018941.3); short protein forms H139R.
Identifiers: ClinVar variation 1679851 (VCV001679851.2), dbSNP rs1195769874, ClinGen allele CA369953520.
Genomic context (GRCh38, chr8:1,771,470, plus strand): 5'-TTGCAGTCCACCTGTCCAACTTGATCTTCCGGACATTTGACTTGTTTCTGGTTATCCACC[A>G]TCTCTTTGCCTTTCTTGGGTTTCTTGGCTGCTTGGTCAATCTCCAAGCTGGCCACTATCT-3'
Protein context (NP_061764.2, residues 129-149): RTFDLFLVIH[His139Arg]LFAFLGFLGC